The following is an entry in ClinVar:

NM_021729.6(VPS11):c.52G>C (p.Val18Leu)

Gene: VPS11 (VPS11 core subunit of CORVET and HOPS complexes; plus strand). Cytogenetic location: 11q23.3.
Variant type: single nucleotide variant.
Coding change: c.52G>C on transcript NM_021729.6 (MANE Select); coding-DNA position 52, G replaced by C.
Protein change: p.Val18Leu; replaces valine 18 with leucine.
Molecular consequence: missense variant. On other transcripts: 5 prime UTR variant (1), non-coding transcript variant (8).
Genome position (GRCh38, 1-based): chr11:119,067,875, G>C. VCF-style: chr11-119067875-G-C. GRCh37 (hg19) VCF-style: chr11-118938586-G-C.
Other names: c.-194G>C (NM_001290185.2); c.52G>C, p.Val18Leu (NM_001378218.1, NM_001378219.1, NM_001378220.1); short protein forms V18L.
Identifiers: ClinVar variation 1926285 (VCV001926285.4), dbSNP rs868603899, ClinGen allele CA382959084.
Genomic context (GRCh38, chr11:119,067,875, plus strand): 5'-TGGGCCAAAATGGCGGCCTACCTGCAGTGGCGGCGCTTCGTTTTCTTCGACAAGGAGCTG[G>C]TGAAGGAGCCGCTGAGCAATGATGGGGCCGCTCCCGGGGCCACACCTGCTTCTGGATCCG-3'
Protein context (NP_068375.3, residues 8-28): RRFVFFDKEL[Val18Leu]KEPLSNDGAA

ClinVar aggregate classification (germline): Uncertain significance (1 of 4 stars; one submission).

Submission:

Labcorp Genetics (formerly Invitae), Labcorp
Classification: Uncertain significance. Last evaluated: 2025-02-24. Review status: criteria provided, single submitter. Criteria: Invitae Variant Classification Sherloc (09022015). Collection method: clinical testing. Allele origin: germline.
Comment: This sequence change replaces valine, which is neutral and non-polar, with leucine, which is neutral and non-polar, at codon 18 of the VPS11 protein (p.Val18Leu). This variant is not present in population databases (gnomAD no frequency). This variant has not been reported in the literature in individuals affected with VPS11-related conditions. ClinVar contains an entry for this variant (Variation ID: 1926285). Invitae Evidence Modeling of protein sequence and biophysical properties (such as structural, functional, and spatial information, amino acid conservation, physicochemical variation, residue mobility, and thermodynamic stability) indicates that this missense variant is not expected to disrupt VPS11 protein function with a negative predictive value of 80%. In summary, the available evidence is currently insufficient to determine the role of this variant in disease. Therefore, it has been classified as a Variant of Uncertain Significance.